The following is an entry in ClinVar:

NM_206933.4(USH2A):c.2585A>G (p.Asn862Ser)

Genes: USH2A (usherin; minus strand), LOC122152296 (Sharpr-MPRA regulatory region 8762; plus strand). Cytogenetic location: 1q41.
Variant type: single nucleotide variant.
Coding change: c.2585A>G on transcript NM_206933.4 (MANE Select); coding-DNA position 2585, A replaced by G.
Protein change: p.Asn862Ser; replaces asparagine 862 with serine.
Molecular consequence: missense variant.
Genome position (GRCh38, 1-based): chr1:216,246,809, T>C on the plus strand (A>G on the coding strand, the complement: USH2A is on the minus strand). VCF-style: chr1-216246809-T-C. GRCh37 (hg19) VCF-style: chr1-216420151-T-C.
Other names: c.2585A>G, p.Asn862Ser (NM_007123.6); short protein forms N862S.
Identifiers: ClinVar variation 2415528 (VCV002415528.7), dbSNP rs758936564, ClinGen allele CA1396206.
Genomic context (GRCh38, chr1:216,246,809, plus strand): 5'-CACTGATTACAGCGAAGACCTGTTACCCCTAATTTGCAAGGACATTGTCCTGTTGATTTG[T>C]TACACAGCAGAGAGCCATTTATTGTCCCAGTCTTATCACAGTTGCAAGGCAGACAGAGGA-3'
Protein context (NP_996816.3, residues 852-872): TGTINGSLLC[Asn862Ser]KSTGQCPCKL

ClinVar aggregate classification (germline): Uncertain significance (1 of 4 stars; one submission).

Allele frequency attached by ClinVar (database versions not stated): gnomAD exomes below 0.00001; TOPMed below 0.00001; ExAC 0.00001.
gnomAD v4.1: 1 of 1,614,174 alleles (0.000062%); highest among the groups gnomAD compares: Admixed American, 0.0017%; no homozygotes.

Submission:

Labcorp Genetics (formerly Invitae), Labcorp
Classification: Uncertain significance. Last evaluated: 2022-11-08. Review status: criteria provided, single submitter. Criteria: Invitae Variant Classification Sherloc (09022015). Collection method: clinical testing. Allele origin: germline.
Comment: This variant is present in population databases (rs758936564, gnomAD 0.003%). This sequence change replaces asparagine, which is neutral and polar, with serine, which is neutral and polar, at codon 862 of the USH2A protein (p.Asn862Ser). This variant has not been reported in the literature in individuals affected with USH2A-related conditions. In summary, the available evidence is currently insufficient to determine the role of this variant in disease. Therefore, it has been classified as a Variant of Uncertain Significance. Advanced modeling of protein sequence and biophysical properties (such as structural, functional, and spatial information, amino acid conservation, physicochemical variation, residue mobility, and thermodynamic stability) performed at Invitae indicates that this missense variant is not expected to disrupt USH2A protein function.